The following is an entry in ClinVar:

ClinVar aggregate classification (germline): Conflicting classifications of pathogenicity. Review status: criteria provided, conflicting classifications (1 of 4 stars). 2 submissions from 2 submitters: Uncertain significance (1); Likely benign (1). Last evaluated 2025-10-01.

Conditions:
Retinoblastoma (RB1). Also called: RETINOBLASTOMA, SOMATIC. Identifiers: Orphanet 790, MedGen C0035335, MeSH D012175, MONDO:0008380, OMIM 180200, HP:0009919. Disease mechanism: loss of function. Inheritance: Both sporadic and heritable forms are tested..

Allele frequency attached by ClinVar (database versions not stated): TOPMed 0.00001.
gnomAD v4.1: 4 of 1,426,768 alleles (0.00028%); highest among the groups gnomAD compares: Non-Finnish European, 0.00036%; no homozygotes.

Submissions (2):

Labcorp Genetics (formerly Invitae), Labcorp
Classification: Likely benign for Retinoblastoma. Last evaluated: 2025-10-01. Review status: criteria provided, single submitter. Criteria: Invitae Variant Classification Sherloc (09022015). Collection method: clinical testing. Allele origin: germline.

Color Diagnostics, LLC DBA Color Health
Classification: Uncertain significance for Retinoblastoma. Last evaluated: 2025-05-30. Review status: criteria provided, single submitter. Criteria: ACMG Guidelines, 2015. Collection method: clinical testing. Allele origin: germline.
Comment: This variant causes a C to A nucleotide substitution at the +6 position of intron 1/26 of the RB1 gene. To our knowledge, functional studies have not been reported for this variant. This variant has not been reported in individuals affected with RB1-related disorders in the literature. This variant has not been identified in the general population by the Genome Aggregation Database (gnomAD). The available evidence is insufficient to determine the role of this variant in disease conclusively. Therefore, this variant is classified as a Variant of Uncertain Significance.

NM_000321.3(RB1):c.137+6C>A

Gene: RB1 (RB transcriptional corepressor 1; plus strand). Cytogenetic location: 13q14.2.
Variant type: single nucleotide variant.
Coding change: c.137+6C>A on transcript NM_000321.3 (MANE Select); 6 bases into the intron after coding-DNA position 137, C replaced by A.
Molecular consequence: intron variant.
Genome position (GRCh38, 1-based): chr13:48,304,055, C>A. VCF-style: chr13-48304055-C-A. GRCh37 (hg19) VCF-style: chr13-48878191-C-A.
Identifiers: ClinVar variation 458122 (VCV000458122.10), dbSNP rs1273298763, ClinGen allele CA609859346.